The following is an entry in ClinVar:

NM_000075.4(CDK4):c.856G>T (p.Ala286Ser)

Genes: CDK4 (cyclin dependent kinase 4; minus strand), TSPAN31 (tetraspanin 31; plus strand). Cytogenetic location: 12q14.1.
Variant type: single nucleotide variant.
Coding change: c.856G>T on transcript NM_000075.4 (MANE Select); coding-DNA position 856, G replaced by T.
Protein change: p.Ala286Ser; replaces alanine 286 with serine.
Molecular consequence: missense variant. On other transcripts: 3 prime UTR variant (3).
Genome position (GRCh38, 1-based): chr12:57,748,581, C>A on the plus strand (G>T on the coding strand, the complement: CDK4 is on the minus strand). VCF-style: chr12-57748581-C-A. GRCh37 (hg19) VCF-style: chr12-58142364-C-A.
Other names: c.*1291C>A (NM_001330168.2, NM_001330169.2, NM_005981.5); short protein forms A286S.
Identifiers: ClinVar variation 642473 (VCV000642473.9), dbSNP rs1595107784, ClinGen allele CA385542449.
Genomic context (GRCh38, chr12:57,748,581, plus strand): 5'-TTGCTCACTCCGGATTACCTTCATCCTTATGTAGATAAGAGTGCTGCAGAGCTCGAAAGG[C>A]AGAGATTCGCTTGTGTGGGTTAAAAGTCAGCATTTCCTGAGGGGAGAGGCAAAGGTCAGA-3'
Protein context (NP_000066.1, residues 276-296): LTFNPHKRIS[Ala286Ser]FRALQHSYLH

ClinVar aggregate classification (germline): Uncertain significance. Review status: criteria provided, multiple submitters, no conflicts (2 of 4 stars). 2 submissions from 2 submitters: Uncertain significance (2). Last evaluated 2024-10-16.

Conditions:
Familial melanoma. Also called: Hereditary melanoma; Hereditary cutaneous melanoma. Identifiers: Orphanet 618, MedGen C1512419, MONDO:0018961.

Allele frequency attached by ClinVar (database versions not stated): TOPMed below 0.00001.

Submissions (2):

Labcorp Genetics (formerly Invitae), Labcorp
Classification: Uncertain significance for Familial melanoma. Last evaluated: 2024-10-16. Review status: criteria provided, single submitter. Criteria: Invitae Variant Classification Sherloc (09022015). Collection method: clinical testing. Allele origin: germline.
Comment: This sequence change replaces alanine, which is neutral and non-polar, with serine, which is neutral and polar, at codon 286 of the CDK4 protein (p.Ala286Ser). This variant is not present in population databases (gnomAD no frequency). This variant has not been reported in the literature in individuals affected with CDK4-related conditions. ClinVar contains an entry for this variant (Variation ID: 642473). Invitae Evidence Modeling of protein sequence and biophysical properties (such as structural, functional, and spatial information, amino acid conservation, physicochemical variation, residue mobility, and thermodynamic stability) indicates that this missense variant is expected to disrupt CDK4 protein function with a positive predictive value of 95%. In summary, the available evidence is currently insufficient to determine the role of this variant in disease. Therefore, it has been classified as a Variant of Uncertain Significance.

GeneDx
Classification: Uncertain significance. Last evaluated: 2023-12-27. Review status: criteria provided, single submitter. Criteria: GeneDx Variant Classification Process June 2021. Collection method: clinical testing. Allele origin: germline. Affected: yes.
Comment: Has not been previously published as pathogenic or benign to our knowledge; Not observed at significant frequency in large population cohorts (gnomAD); In silico analysis supports that this missense variant has a deleterious effect on protein structure/function